The following is an entry in ClinVar:

ClinVar aggregate classification (germline): Uncertain significance. Review status: criteria provided, multiple submitters, no conflicts (2 of 4 stars). 2 submissions from 2 submitters: Uncertain significance (2). Last evaluated 2022-09-27.

Conditions:
Autosomal recessive limb-girdle muscular dystrophy type 2L (LGMDR12). Also called: MUSCULAR DYSTROPHY, LIMB-GIRDLE, AUTOSOMAL RECESSIVE 12; Limb-Girdle Muscular Dystrophy R12 Anoctamin-5-Related (LGMD-R12); Limb-girdle muscular dystrophy, type 2L. Identifiers: Orphanet 206549, MedGen C1969785, MONDO:0012652, OMIM 611307.
Gnathodiaphyseal dysplasia (GDD). Also called: GNATHODIAPHYSEAL SCLEROSIS; OSTEOGENESIS IMPERFECTA WITH UNUSUAL SKELETAL LESIONS. Identifiers: Orphanet 53697, MedGen C1833736, MONDO:0008151, OMIM 166260.

Submissions (2):

Labcorp Genetics (formerly Invitae), Labcorp
Classification: Uncertain significance for Autosomal recessive limb-girdle muscular dystrophy type 2L; Gnathodiaphyseal dysplasia. Last evaluated: 2022-09-27. Review status: criteria provided, single submitter. Criteria: Invitae Variant Classification Sherloc (09022015). Collection method: clinical testing. Allele origin: germline.
Comment: This variant is not present in population databases (gnomAD no frequency). This sequence change replaces serine, which is neutral and polar, with arginine, which is basic and polar, at codon 653 of the ANO5 protein (p.Ser653Arg). This variant has not been reported in the literature in individuals affected with ANO5-related conditions. In summary, the available evidence is currently insufficient to determine the role of this variant in disease. Therefore, it has been classified as a Variant of Uncertain Significance. Advanced modeling of protein sequence and biophysical properties (such as structural, functional, and spatial information, amino acid conservation, physicochemical variation, residue mobility, and thermodynamic stability) has been performed at Invitae for this missense variant, however the output from this modeling did not meet the statistical confidence thresholds required to predict the impact of this variant on ANO5 protein function.

Athena Diagnostics
Classification: Uncertain significance. Last evaluated: 2022-05-24. Review status: criteria provided, single submitter. Criteria: Athena Diagnostics Criteria. Collection method: clinical testing. Allele origin: unknown.

NM_213599.3(ANO5):c.1959T>G (p.Ser653Arg)

Gene: ANO5 (anoctamin 5; plus strand). Cytogenetic location: 11p14.3.
Variant type: single nucleotide variant.
Coding change: c.1959T>G on transcript NM_213599.3 (MANE Select); coding-DNA position 1959, T replaced by G.
Protein change: p.Ser653Arg; replaces serine 653 with arginine.
Molecular consequence: missense variant.
Genome position (GRCh38, 1-based): chr11:22,270,372, T>G. VCF-style: chr11-22270372-T-G. GRCh37 (hg19) VCF-style: chr11-22291918-T-G.
Other names: c.1956T>G, p.Ser652Arg (NM_001142649.2); c.1917T>G, p.Ser639Arg (NM_001410963.1); c.1914T>G, p.Ser638Arg (NM_001410964.1); short protein forms S638R, S639R, S652R, S653R.
Identifiers: ClinVar variation 1807235 (VCV001807235.6), dbSNP rs2494363569, ClinGen allele CA379923352.